The following is an entry in ClinVar:

NM_014714.4(IFT140):c.4162C>T (p.Arg1388Trp)

Gene: IFT140 (intraflagellar transport 140; minus strand). Cytogenetic location: 16p13.3.
Variant type: single nucleotide variant.
Coding change: c.4162C>T on transcript NM_014714.4 (MANE Select); coding-DNA position 4162, C replaced by T.
Protein change: p.Arg1388Trp; replaces arginine 1388 with tryptophan.
Molecular consequence: missense variant.
Genome position (GRCh38, 1-based): chr16:1,518,236, G>A on the plus strand (C>T on the coding strand, the complement: IFT140 is on the minus strand). VCF-style: chr16-1518236-G-A. GRCh37 (hg19) VCF-style: chr16-1568237-G-A.
Other names: c.4162C>T (NM_014714.3); short protein forms R1388W.
Identifiers: ClinVar variation 1387423 (VCV001387423.6), dbSNP rs760253028, ClinGen allele CA7812887.

ClinVar aggregate classification (germline): Uncertain significance. Review status: criteria provided, multiple submitters, no conflicts (2 of 4 stars). 4 submissions from 4 submitters: Uncertain significance (4). Last evaluated 2025-08-30.

Conditions:
Inborn genetic diseases. Identifiers: MedGen C0950123, MeSH D030342.
Saldino-Mainzer syndrome (SRTD9). Also called: Renal dysplasia, retinal pigmentary dystrophy, cerebellar ataxia and skeletal dysplasia; CONORENAL SYNDROME; SHORT-RIB THORACIC DYSPLASIA 9 WITHOUT POLYDACTYLY; short-rib thoracic dysplasia 9 with or without polydactyly. Identifiers: Orphanet 140969, MedGen C1849437, MONDO:0009964, OMIM 266920.

Allele frequency attached by ClinVar (database versions not stated): ExAC 0.00001; gnomAD exomes 0.00001 and 0.00003; TOPMed 0.00002; gnomAD 0.00003.
gnomAD v4.1: 20 of 1,613,502 alleles (0.0012%); highest among the groups gnomAD compares: Admixed American, 0.01%; no homozygotes.

Submissions (4):

Ambry Genetics
Classification: Uncertain significance for Inborn genetic diseases. Last evaluated: 2025-08-30. Review status: criteria provided, single submitter. Criteria: Ambry Variant Classification Scheme 2023. Collection method: clinical testing. Allele origin: germline.

Labcorp Genetics (formerly Invitae), Labcorp
Classification: Uncertain significance for Saldino-Mainzer syndrome. Last evaluated: 2022-09-13. Review status: criteria provided, single submitter. Criteria: Invitae Variant Classification Sherloc (09022015). Collection method: clinical testing. Allele origin: germline.
Comment: This sequence change replaces arginine, which is basic and polar, with tryptophan, which is neutral and slightly polar, at codon 1388 of the IFT140 protein (p.Arg1388Trp). This variant is present in population databases (rs760253028, gnomAD 0.02%). This variant has not been reported in the literature in individuals affected with IFT140-related conditions. ClinVar contains an entry for this variant (Variation ID: 1387423). Advanced modeling of protein sequence and biophysical properties (such as structural, functional, and spatial information, amino acid conservation, physicochemical variation, residue mobility, and thermodynamic stability) has been performed at Invitae for this missense variant, however the output from this modeling did not meet the statistical confidence thresholds required to predict the impact of this variant on IFT140 protein function. In summary, the available evidence is currently insufficient to determine the role of this variant in disease. Therefore, it has been classified as a Variant of Uncertain Significance.

Blueprint Genetics
Classification: Uncertain significance. Last evaluated: 2021-07-08. Review status: criteria provided, single submitter. Criteria: ACMG Guidelines, 2015. Collection method: clinical testing. Allele origin: germline.

Breakthrough Genomics
Classification: Uncertain significance. Review status: criteria provided, single submitter. Criteria: ACMG Guidelines, 2015. Collection method: not provided. Allele origin: germline. Inheritance: Autosomal recessive inheritance. Affected: yes.